The following is an entry in ClinVar:

ClinVar aggregate classification (germline): Uncertain significance. Review status: criteria provided, multiple submitters, no conflicts (2 of 4 stars). 2 submissions from 2 submitters: Uncertain significance (2). Last evaluated 2024-02-21.

gnomAD v4.1: 9 of 1,604,584 alleles (0.00056%); highest among the groups gnomAD compares: African/African-American, 0.0013%; no homozygotes.

Submissions (2):

Blueprint Genetics
Classification: Uncertain significance. Last evaluated: 2024-02-21. Review status: criteria provided, single submitter. Criteria: ACMG Guidelines, 2015. Collection method: clinical testing. Allele origin: germline.

Labcorp Genetics (formerly Invitae), Labcorp
Classification: Uncertain significance. Last evaluated: 2022-10-23. Review status: criteria provided, single submitter. Criteria: Invitae Variant Classification Sherloc (09022015). Collection method: clinical testing. Allele origin: germline.
Comment: This sequence change replaces valine, which is neutral and non-polar, with methionine, which is neutral and non-polar, at codon 1402 of the CDH23 protein (p.Val1402Met). The frequency data for this variant in the population databases is considered unreliable, as metrics indicate poor data quality at this position in the gnomAD database. This variant has not been reported in the literature in individuals affected with CDH23-related conditions. Algorithms developed to predict the effect of missense changes on protein structure and function are either unavailable or do not agree on the potential impact of this missense change (SIFT: "Deleterious"; PolyPhen-2: "Not Available"; Align-GVGD: "Class C15"). In summary, the available evidence is currently insufficient to determine the role of this variant in disease. Therefore, it has been classified as a Variant of Uncertain Significance.

NM_022124.6(CDH23):c.4204G>A (p.Val1402Met)

Genes: C10orf105 (chromosome 10 open reading frame 105; minus strand), CDH23 (cadherin related 23; plus strand). Cytogenetic location: 10q22.1.
Variant type: single nucleotide variant.
Coding change: c.4204G>A on transcript NM_022124.6 (MANE Select); coding-DNA position 4204, G replaced by A.
Protein change: p.Val1402Met; replaces valine 1402 with methionine.
Molecular consequence: missense variant. On other transcripts: intron variant (1).
Genome position (GRCh38, 1-based): chr10:71,734,339, G>A. VCF-style: chr10-71734339-G-A. GRCh37 (hg19) VCF-style: chr10-73494096-G-A.
Other names: c.-6+3389C>T (NM_001168390.2); short protein forms V1402M.
Identifiers: ClinVar variation 2156084 (VCV002156084.2), dbSNP rs747086873, ClinGen allele CA209481541.